The following is an entry in ClinVar:

NM_000747.3(CHRNB1):c.1359C>T (p.His453=)

Gene: CHRNB1 (cholinergic receptor nicotinic beta 1 subunit; plus strand). Cytogenetic location: 17p13.1.
Variant type: single nucleotide variant.
Coding change: c.1359C>T on transcript NM_000747.3 (MANE Select); coding-DNA position 1359, C replaced by T.
Protein change: p.His453=; no amino-acid change (histidine 453 retained).
Molecular consequence: synonymous variant.
Genome position (GRCh38, 1-based): chr17:7,455,935, C>T. VCF-style: chr17-7455935-C-T. GRCh37 (hg19) VCF-style: chr17-7359254-C-T.
Other names: p.His453=.
Identifiers: ClinVar variation 476149 (VCV000476149.17), dbSNP rs142053338, ClinGen allele CA8348045.

ClinVar aggregate classification (germline): Benign/Likely benign. Review status: criteria provided, multiple submitters, no conflicts (2 of 4 stars). 4 submissions from 4 submitters: Benign (2); Likely benign (2). Last evaluated 2026-01-19.

Conditions:
Congenital myasthenic syndrome 2A. Also called: Myasthenic syndrome, congenital, 2a, slow-channel. Identifiers: Orphanet 590, MedGen C4225374, MONDO:0014581, OMIM 616313.
Congenital myasthenic syndrome 4C (CMS4C). Also called: Myasthenic syndrome, congenital, associated with acetylcholine receptor deficiency. Identifiers: Orphanet 590, MedGen C1837091, MONDO:0012157, OMIM 608931.

Allele frequency attached by ClinVar (database versions not stated): gnomAD exomes 0.00041; ExAC 0.00048; 1000 Genomes Project 0.00160; 1000 Genomes Project 30x 0.00172; TOPMed 0.00196; ESP Exome Variant Server 0.00200.
gnomAD v4.1: 514 of 1,613,872 alleles (0.032%); highest among the groups gnomAD compares: African/African-American, 0.64%; 4 homozygotes.

Submissions (4):

Labcorp Genetics (formerly Invitae), Labcorp
Classification: Benign for Congenital myasthenic syndrome 2A. Last evaluated: 2026-01-19. Review status: criteria provided, single submitter. Criteria: Invitae Variant Classification Sherloc (09022015). Collection method: clinical testing. Allele origin: germline.

Mayo Clinic Laboratories, Mayo Clinic
Classification: Benign. Last evaluated: 2025-07-31. Review status: criteria provided, single submitter. Criteria: ACMG Guidelines, 2015. Collection method: clinical testing. Allele origin: germline. Observed: 1 variant allele.
Comment: BS1, BS2, BP4, BP7

Illumina Laboratory Services, Illumina
Classification: Likely benign for Congenital myasthenic syndrome 4C. Last evaluated: 2018-01-13. Review status: criteria provided, single submitter. Criteria: ICSL Variant Classification Criteria 13 December 2019. Collection method: clinical testing. Allele origin: germline.
Comment: This variant was observed in the ICSL laboratory as part of a predisposition screen in an ostensibly healthy population. It had not been previously curated by ICSL or reported in the Human Gene Mutation Database (HGMD: prior to June 1st, 2018), and was therefore a candidate for classification through an automated scoring system. Utilizing variant allele frequency, disease prevalence and penetrance estimates, and inheritance mode, an automated score was calculated to assess if this variant is too frequent to cause the disease. Based on the score and internal cut-off values, a variant classified as likely benign is not then subjected to further curation. The score for this variant resulted in a classification of likely benign for this disease.

Breakthrough Genomics
Classification: Likely benign. Review status: criteria provided, single submitter. Criteria: ACMG Guidelines, 2015. Collection method: not provided. Allele origin: germline. Inheritance: Autosomal recessive inheritance. Affected: yes.